The following is an entry in ClinVar:

ClinVar aggregate classification (germline): Uncertain significance. Review status: criteria provided, multiple submitters, no conflicts (2 of 4 stars). 2 submissions from 2 submitters: Uncertain significance (2). Last evaluated 2023-11-27.

Conditions:
Long QT syndrome (LQTS). Identifiers: MedGen C0023976, MeSH D008133, MONDO:0002442. Disease mechanism: loss of function. Inheritance: Various modes of inheritance.
Cardiac arrhythmia, ankyrin-B-related. Also called: ANKYRIN-B SYNDROME. Identifiers: Orphanet 101016, Orphanet 768, MedGen C1970119, MONDO:0010958, OMIM 600919.

Allele frequency attached by ClinVar (database versions not stated): gnomAD exomes below 0.00001; gnomAD 0.00001; TOPMed 0.00001.
gnomAD v4.1: 3 of 1,613,834 alleles (0.00019%); highest among the groups gnomAD compares: Non-Finnish European, 0.00025%; no homozygotes.

Submissions (2):

Labcorp Genetics (formerly Invitae), Labcorp
Classification: Uncertain significance for Long QT syndrome. Last evaluated: 2023-11-27. Review status: criteria provided, single submitter. Criteria: Invitae Variant Classification Sherloc (09022015). Collection method: clinical testing. Allele origin: germline.
Comment: This sequence change replaces serine, which is neutral and polar, with asparagine, which is neutral and polar, at codon 1873 of the ANK2 protein (p.Ser1873Asn). This variant is present in population databases (no rsID available, gnomAD 0.007%). This variant has not been reported in the literature in individuals affected with ANK2-related conditions. ClinVar contains an entry for this variant (Variation ID: 950595). Algorithms developed to predict the effect of missense changes on protein structure and function output the following: SIFT: "Not Available"; PolyPhen-2: "Benign"; Align-GVGD: "Not Available". The asparagine amino acid residue is found in multiple mammalian species, which suggests that this missense change does not adversely affect protein function. In summary, the available evidence is currently insufficient to determine the role of this variant in disease. Therefore, it has been classified as a Variant of Uncertain Significance.

Fulgent Genetics
Classification: Uncertain significance for Cardiac arrhythmia, ankyrin-B-related. Last evaluated: 2021-08-24. Review status: criteria provided, single submitter. Criteria: ACMG Guidelines, 2015. Collection method: clinical testing. Allele origin: unknown.

NM_001148.6(ANK2):c.5618G>A (p.Ser1873Asn)

Genes: ANK2 (ankyrin 2; plus strand), LOC126807136 (MED14-independent group 3 enhancer GRCh37_chr4:114274931-114276130; plus strand). Cytogenetic location: 4q26.
Variant type: single nucleotide variant.
Coding change: c.5618G>A on transcript NM_001148.6 (MANE Select); coding-DNA position 5618, G replaced by A.
Protein change: p.Ser1873Asn; replaces serine 1873 with asparagine.
Molecular consequence: missense variant. On other transcripts: intron variant (68).
Genome position (GRCh38, 1-based): chr4:113,354,236, G>A. VCF-style: chr4-113354236-G-A. GRCh37 (hg19) VCF-style: chr4-114275392-G-A.
Other names: c.5384G>A, p.Ser1795Asn (NM_001386142.1); c.2018G>A, p.Ser673Asn (NM_001386166.1); c.5759G>A, p.Ser1920Asn (NM_001386174.1); c.5735G>A, p.Ser1912Asn (NM_001386175.1); c.4411+3987G>A (NM_001386186.2, NM_001386148.2); c.4213+3987G>A (NM_001354269.3); c.4291+3987G>A (NM_001386187.2); c.4252+3987G>A (NM_001386147.1); and 35 more; short protein forms S1873N, S1795N, S1912N, S1920N, S673N.
Identifiers: ClinVar variation 950595 (VCV000950595.8), dbSNP rs1227210695, ClinGen allele CA357920518.
Genomic context (GRCh38, chr4:113,354,236, plus strand): 5'-AACACTCACCTGTGTCACCCTCTGCAAAAACGGAAAGACATTCACCTGCGTCATCATCGA[G>A]TAAAACTGAGAAACACTCACCTGTATCACCCTCGACAAAAACTGAAAGGCACTCTCCTGT-3'
Protein context (NP_001139.3, residues 1863-1883): TERHSPASSS[Ser1873Asn]KTEKHSPVSP